The following is an entry in ClinVar:

NM_017654.4(SAMD9):c.1267G>T (p.Asp423Tyr)

Gene: SAMD9 (sterile alpha motif domain containing 9; minus strand). Cytogenetic location: 7q21.2.
Variant type: single nucleotide variant.
Coding change: c.1267G>T on transcript NM_017654.4 (MANE Select); coding-DNA position 1267, G replaced by T.
Protein change: p.Asp423Tyr; replaces aspartic acid 423 with tyrosine.
Molecular consequence: missense variant.
Genome position (GRCh38, 1-based): chr7:93,104,831, C>A on the plus strand (G>T on the coding strand, the complement: SAMD9 is on the minus strand). VCF-style: chr7-93104831-C-A. GRCh37 (hg19) VCF-style: chr7-92734144-C-A.
Other names: c.1267G>T, p.Asp423Tyr (NM_001193307.2); c.1267G>T (NM_017654.3); short protein forms D423Y.
Identifiers: ClinVar variation 2748585 (VCV002748585.4), dbSNP rs775218383, ClinGen allele CA4342997.
Genomic context (GRCh38, chr7:93,104,831, plus strand): 5'-CAAACTCCAATACAGCAAACCATTTAATTTCCTTCAGGAAATCTAAGTGTTTTGTTTGAT[C>A]TGGGTGGCATTTATTTGTTACAAGAATGTACTGTTCATAGTATGAATTATCTAACAAATC-3'
Protein context (NP_060124.2, residues 413-433): YILVTNKCHP[Asp423Tyr]QTKHLDFLKE

ClinVar aggregate classification (germline): Uncertain significance. Review status: criteria provided, multiple submitters, no conflicts (2 of 4 stars). 2 submissions from 2 submitters: Uncertain significance (2). Last evaluated 2024-12-22.

Conditions:
Inborn genetic diseases. Identifiers: MedGen C0950123, MeSH D030342.

Allele frequency attached by ClinVar (database versions not stated): gnomAD exomes 0.00001; ExAC 0.00003.

Submissions (2):

Ambry Genetics
Classification: Uncertain significance for Inborn genetic diseases. Last evaluated: 2024-12-22. Review status: criteria provided, single submitter. Criteria: Ambry Variant Classification Scheme 2023. Collection method: clinical testing. Allele origin: germline.
Comment: The p.D423Y variant (also known as c.1267G>T), located in coding exon 1 of the SAMD9 gene, results from a G to T substitution at nucleotide position 1267. The aspartic acid at codon 423 is replaced by tyrosine, an amino acid with highly dissimilar properties. This amino acid position is conserved. In addition, this alteration is predicted to be tolerated by in silico analysis. Based on the available evidence, the clinical significance of this variant remains unclear.

Labcorp Genetics (formerly Invitae), Labcorp
Classification: Uncertain significance. Last evaluated: 2024-05-02. Review status: criteria provided, single submitter. Criteria: Invitae Variant Classification Sherloc (09022015). Collection method: clinical testing. Allele origin: germline.
Comment: This sequence change replaces aspartic acid, which is acidic and polar, with tyrosine, which is neutral and polar, at codon 423 of the SAMD9 protein (p.Asp423Tyr). This variant is present in population databases (rs775218383, gnomAD 0.01%). This variant has not been reported in the literature in individuals affected with SAMD9-related conditions. Advanced modeling of protein sequence and biophysical properties (such as structural, functional, and spatial information, amino acid conservation, physicochemical variation, residue mobility, and thermodynamic stability) performed at Invitae indicates that this missense variant is not expected to disrupt SAMD9 protein function with a negative predictive value of 95%. In summary, the available evidence is currently insufficient to determine the role of this variant in disease. Therefore, it has been classified as a Variant of Uncertain Significance.